The following is an entry in ClinVar:

ClinVar aggregate classification (germline): Pathogenic (1 of 4 stars; one submission).

Conditions:
Glycine encephalopathy. Also called: Nonketotic hyperglycinemia; Non-ketotic hyperglycinemia. Identifiers: Orphanet 407, MedGen C0751748, MONDO:0011612, HP:0008288.

Submission:

Labcorp Genetics (formerly Invitae), Labcorp
Classification: Pathogenic for Glycine encephalopathy. Last evaluated: 2022-10-14. Review status: criteria provided, single submitter. Criteria: Invitae Variant Classification Sherloc (09022015). Collection method: clinical testing. Allele origin: germline.
Comment: This variant is a gross deletion of the genomic region encompassing exon(s) 1-2 of the GLDC gene, which includes the initiator codon. This deletion extends beyond the assayed region for this gene and therefore may encompass additional genes. It is expected to result in an absent or disrupted protein product. Loss-of-function variants in GLDC are known to be pathogenic (PMID: 16601880). A similar copy number variant has been observed in individual(s) with glycine encephalopathy (non-ketotic hyperglycinemia) (PMID: 17361008). In at least one individual the data is consistent with being in trans (on the opposite chromosome) from a pathogenic variant. For these reasons, this variant has been classified as Pathogenic.

Literature cited by the submitters: PubMed 16601880; PubMed 17361008.

NC_000009.11:g.(?_6644594)_(6645499_?)del

Gene: GLDC (glycine decarboxylase; minus strand). Cytogenetic location: 9p24.1.
Variant type: Deletion.
Identifiers: ClinVar variation 2422527 (VCV002422527.6).